The following is an entry in ClinVar:

ClinVar aggregate classification (germline): Uncertain significance (1 of 4 stars; one submission).

Submission:

GeneDx
Classification: Uncertain significance. Last evaluated: 2025-05-14. Review status: criteria provided, single submitter. Criteria: GeneDx Variant Classification Process June 2021. Collection method: clinical testing. Allele origin: germline. Affected: yes.
Comment: Not observed at significant frequency in large population cohorts (gnomAD); In silico analysis supports that this missense variant has a deleterious effect on protein structure/function; In silico analysis supports a deleterious effect on splicing; Has not been previously published as pathogenic or benign to our knowledge; Not located in one of the three hot-spot regions of the RYR2 gene, where the majority of pathogenic missense variants occur (PMID: 19926015); This variant is associated with the following publications: (PMID: 19926015)

NM_001035.3(RYR2):c.4435A>G (p.Ser1479Gly)

Gene: RYR2 (ryanodine receptor 2; plus strand). Cytogenetic location: 1q43.
Variant type: single nucleotide variant.
Coding change: c.4435A>G on transcript NM_001035.3 (MANE Select); coding-DNA position 4435, A replaced by G.
Protein change: p.Ser1479Gly; replaces serine 1479 with glycine.
Molecular consequence: missense variant.
Genome position (GRCh38, 1-based): chr1:237,593,635, A>G. VCF-style: chr1-237593635-A-G. GRCh37 (hg19) VCF-style: chr1-237756935-A-G.
Other names: short protein forms S1479G.
Identifiers: ClinVar variation 4529953 (VCV004529953.1).